The following is an entry in ClinVar:

NM_015450.3(POT1):c.1550C>A (p.Ser517Tyr)

Gene: POT1 (protection of telomeres 1; minus strand). Cytogenetic location: 7q31.33.
Variant type: single nucleotide variant.
Coding change: c.1550C>A on transcript NM_015450.3 (MANE Select); coding-DNA position 1550, C replaced by A.
Protein change: p.Ser517Tyr; replaces serine 517 with tyrosine.
Molecular consequence: missense variant. On other transcripts: non-coding transcript variant (2).
Genome position (GRCh38, 1-based): chr7:124,829,298, G>T on the plus strand (C>A on the coding strand, the complement: POT1 is on the minus strand). VCF-style: chr7-124829298-G-T. GRCh37 (hg19) VCF-style: chr7-124469352-G-T.
Other names: c.1157C>A, p.Ser386Tyr (NM_001042594.2); short protein forms S517Y, S386Y.
Identifiers: ClinVar variation 2450546 (VCV002450546.2), dbSNP rs2116422122, ClinGen allele CA369064500.
Genomic context (GRCh38, chr7:124,829,298, plus strand): 5'-TGGAAATTTAGCTAACCTTCTGCCACAGAAGAAGGAATCCACGATGTTTTATCAACCAGG[G>T]AATTTAGATTTTGTATGGATCTCAAACTAGAACACTGTTTACATCTGAAATTTATAAAAG-3'
Protein context (NP_056265.2, residues 507-527): SSLRSIQNLN[Ser517Tyr]LVDKTSWIPS

ClinVar aggregate classification (germline): Uncertain significance (1 of 4 stars; one submission).

Conditions:
Hereditary cancer-predisposing syndrome. Also called: Neoplastic Syndromes, Hereditary; Tumor predisposition; Hereditary neoplastic syndrome; Hereditary Cancer Syndrome. Identifiers: Orphanet 140162, MedGen C0027672, MeSH D009386, MONDO:0015356.

Submission:

Ambry Genetics
Classification: Uncertain significance for Hereditary cancer-predisposing syndrome. Last evaluated: 2023-01-11. Review status: criteria provided, single submitter. Criteria: Ambry Variant Classification Scheme 2023. Collection method: clinical testing. Allele origin: germline.
Comment: The p.S517Y variant (also known as c.1550C>A), located in coding exon 12 of the POT1 gene, results from a C to A substitution at nucleotide position 1550. The serine at codon 517 is replaced by tyrosine, an amino acid with dissimilar properties. This amino acid position is conserved. In addition, this alteration is predicted to be tolerated by in silico analysis. Since supporting evidence is limited at this time, the clinical significance of this alteration remains unclear.